The following is an entry in ClinVar:

ClinVar aggregate classification (germline): Conflicting classifications of pathogenicity. Review status: criteria provided, conflicting classifications (1 of 4 stars). 7 submissions from 7 submitters: Uncertain significance (5); Benign (1); Likely benign (1). Last evaluated 2026-02-04.

Conditions:
Hereditary cancer-predisposing syndrome. Also called: Tumor predisposition; Hereditary Cancer Syndrome; Neoplastic Syndromes, Hereditary; Hereditary neoplastic syndrome. Identifiers: Orphanet 140162, MedGen C0027672, MeSH D009386, MONDO:0015356.
Multiple endocrine neoplasia, type 1 (MEN1). Also called: Endocrine adenomatosis multiple; MEN 1; MEN I; WERMER SYNDROME; MEA I. Identifiers: Orphanet 652, MedGen C0025267, MeSH D018761, MONDO:0007540, OMIM 131100.

Allele frequency attached by ClinVar (database versions not stated): ExAC 0.00003; gnomAD exomes 0.00003 and 0.00002; TOPMed 0.00003; gnomAD 0.00005 and 0.00006.
gnomAD v4.1: 37 of 1,613,776 alleles (0.0023%); highest among the groups gnomAD compares: Admixed American, 0.005%; no homozygotes.

Submissions (7):

Labcorp Genetics (formerly Invitae), Labcorp
Classification: Likely benign for Multiple endocrine neoplasia, type 1. Last evaluated: 2026-02-04. Review status: criteria provided, single submitter. Criteria: Invitae Variant Classification Sherloc (09022015). Collection method: clinical testing. Allele origin: germline.

Color Diagnostics, LLC DBA Color Health
Classification: Uncertain significance for Multiple endocrine neoplasia, type 1. Last evaluated: 2024-07-24. Review status: criteria provided, single submitter. Criteria: ACMG Guidelines, 2015. Collection method: clinical testing. Allele origin: germline.
Comment: This missense variant replaces tyrosine with cysteine at codon 268 of the MEN1 protein. Computational prediction suggests that this variant may have deleterious impact on protein structure and function. To our knowledge, functional studies have not been reported for this variant. This variant has not been reported in individuals affected with MEN1-related disorders in the literature. This variant has been identified in 10/282000 chromosomes in the general population by the Genome Aggregation Database (gnomAD). The available evidence is insufficient to determine the role of this variant in disease conclusively. Therefore, this variant is classified as a Variant of Uncertain Significance.

GeneDx
Classification: Uncertain significance. Last evaluated: 2023-09-14. Review status: criteria provided, single submitter. Criteria: GeneDx Variant Classification Process June 2021. Collection method: clinical testing. Allele origin: germline. Affected: yes.
Comment: In silico analysis supports that this missense variant has a deleterious effect on protein structure/function; Observed in individuals suspected to have MEN1 (Romanet et al., 2019); This variant is associated with the following publications: (PMID: 12874027, 30869828, 34326862)

Ambry Genetics
Classification: Benign for Hereditary cancer-predisposing syndrome. Last evaluated: 2023-07-24. Review status: criteria provided, single submitter. Criteria: Ambry Variant Classification Scheme 2023. Collection method: clinical testing. Allele origin: germline.

Fulgent Genetics
Classification: Uncertain significance for Multiple endocrine neoplasia, type 1. Last evaluated: 2022-05-16. Review status: criteria provided, single submitter. Criteria: ACMG Guidelines, 2015. Collection method: clinical testing. Allele origin: unknown.

Mendelics
Classification: Uncertain significance for Multiple endocrine neoplasia, type 1. Last evaluated: 2018-07-02. Review status: criteria provided, single submitter. Criteria: Mendelics Assertion Criteria 2017. Collection method: clinical testing. Allele origin: unknown.

Institute of Human Genetics, University of Leipzig Medical Center
Classification: Uncertain significance for Multiple endocrine neoplasia, type 1. Last evaluated: 2018-04-17. Review status: criteria provided, single submitter. Criteria: ACMG Guidelines, 2015. Collection method: clinical testing. Allele origin: germline. Affected: yes. Observed: 1 variant allele.

Literature cited by the submitters: PubMed 30869828 (cited by Ambry Genetics).

NM_001370259.2(MEN1):c.803A>G (p.Tyr268Cys)

Gene: MEN1 (menin 1; minus strand). Cytogenetic location: 11q13.1.
Variant type: single nucleotide variant.
Coding change: c.803A>G on transcript NM_001370259.2 (MANE Select); coding-DNA position 803, A replaced by G.
Protein change: p.Tyr268Cys; replaces tyrosine 268 with cysteine.
Molecular consequence: missense variant.
Genome position (GRCh38, 1-based): chr11:64,807,200, T>C on the plus strand (A>G on the coding strand, the complement: MEN1 is on the minus strand). VCF-style: chr11-64807200-T-C. GRCh37 (hg19) VCF-style: chr11-64574672-T-C.
Other names: c.818A>G, p.Tyr273Cys (NM_130802.3, NM_130803.3, NM_130804.3 and 3 more transcripts); c.803A>G, p.Tyr268Cys (NM_001370251.2, NM_001370260.2, NM_001370261.2 and 1 more transcripts); c.698A>G, p.Tyr233Cys (NM_001370262.2, NM_001370263.2); short protein forms Y268C, Y273C, Y233C.
Identifiers: ClinVar variation 216819 (VCV000216819.20), dbSNP rs773500082, ClinGen allele CA061607.
Genomic context (GRCh38, chr11:64,807,200, plus strand): 5'-GCCTCACCAGGCGCAGCCTGGCCACTTCCCTCTACTGACCTTTCCAGATGTCCCAGGTCA[T>C]AGAGCAGCCAGAGCAGCTTCTAGGAGCCGAAGGAGAGAGTTATGAGCCACGGAACAGGGA-3'
Protein context (NP_001357188.2, residues 258-278): QLQQKLLWLL[Tyr268Cys]DLGHLERYPM